The following is an entry in ClinVar:

NM_000053.4(ATP7B):c.1870-3A>C

Gene: ATP7B (ATPase copper transporting beta; minus strand). Cytogenetic location: 13q14.3.
Variant type: single nucleotide variant.
Coding change: c.1870-3A>C on transcript NM_000053.4 (MANE Select); 3 bases into the intron before coding-DNA position 1870, A replaced by C.
Molecular consequence: intron variant.
Genome position (GRCh38, 1-based): chr13:51,961,916, T>G on the plus strand (A>C on the coding strand, the complement: ATP7B is on the minus strand). VCF-style: chr13-51961916-T-G. GRCh37 (hg19) VCF-style: chr13-52536052-T-G.
Other names: c.1870-3A>C (NM_001406521.1, NM_001406513.1, NM_001406511.1 and 16 more transcripts); c.1773+2956A>C (NM_001406543.1, NM_001406544.1); c.1869+2956A>C (NM_001406532.1, NM_001005918.3, NM_001406546.1 and 5 more transcripts); c.1537-3A>C (NM_001243182.2); c.1286-11755A>C (NM_001406548.1); c.1837-3A>C (NM_001406524.1, NM_001406514.1); c.1708-4309A>C (NM_001406547.1, NM_001406545.1); c.1774-3A>C (NM_001406518.1, NM_001406536.1, NM_001406530.1 and 1 more transcripts); and 1 more.
Identifiers: ClinVar variation 3075236 (VCV003075236.1), dbSNP rs2547734773, ClinGen allele CA2825002190.

ClinVar aggregate classification (germline): Uncertain significance (1 of 4 stars; one submission).

Conditions:
Wilson disease (WND). Also called: Wilson's disease. Identifiers: Orphanet 905, MedGen C0019202, MONDO:0010200, OMIM 277900. Disease mechanism: loss of function.

Submission:

All of Us Research Program, National Institutes of Health
Classification: Uncertain significance for Wilson disease. Last evaluated: 2024-01-03. Review status: criteria provided, single submitter. Criteria: ACMG Guidelines, 2015. Collection method: clinical testing. Allele origin: germline. Inheritance: Autosomal recessive inheritance. Observed: 1 variant allele, 1 heterozygote.
Comment: This variant causes an A to C nucleotide substitution at the -3 position of intron 5 of the ATP7B gene. To our knowledge, functional studies have not been reported for this variant. This variant has not been reported in individuals affected with ATP7B-related disorders in the literature. This variant has not been identified in the general population by the Genome Aggregation Database (gnomAD). The available evidence is insufficient to determine the role of this variant in disease conclusively. Therefore, this variant is classified as a Variant of Uncertain Significance.

This study involves interpretation of variants in research participants for the purpose of population health screening. Participant phenotype was not available at the time of variant classification. Additional details can be found in publication PMID: 35346344, PMCID: PMC8962531